The following is an entry in ClinVar:

NM_015213.4(DENND5A):c.1801C>T (p.Leu601Phe)

Gene: DENND5A (DENN domain containing 5A; minus strand). Cytogenetic location: 11p15.4.
Variant type: single nucleotide variant.
Coding change: c.1801C>T on transcript NM_015213.4 (MANE Select); coding-DNA position 1801, C replaced by T.
Protein change: p.Leu601Phe; replaces leucine 601 with phenylalanine.
Molecular consequence: missense variant. On other transcripts: non-coding transcript variant (1).
Genome position (GRCh38, 1-based): chr11:9,178,237, G>A on the plus strand (C>T on the coding strand, the complement: DENND5A is on the minus strand). VCF-style: chr11-9178237-G-A. GRCh37 (hg19) VCF-style: chr11-9199784-G-A.
Other names: c.1801C>T, p.Leu601Phe (NM_001243254.2, NM_001348748.1); c.1729C>T, p.Leu577Phe (NM_001348749.2); c.1513C>T, p.Leu505Phe (NM_001348750.2); short protein forms L505F, L601F, L577F.
Identifiers: ClinVar variation 1906991 (VCV001906991.2), dbSNP rs1438034828, ClinGen allele CA379614457.

ClinVar aggregate classification (germline): Uncertain significance (1 of 4 stars; one submission).

Allele frequency attached by ClinVar (database versions not stated): gnomAD exomes below 0.00001; TOPMed 0.00002.
gnomAD v4.1: 1 of 1,613,060 alleles (0.000062%); highest among the groups gnomAD compares: Admixed American, 0.0017%; no homozygotes.

Submission:

Labcorp Genetics (formerly Invitae), Labcorp
Classification: Uncertain significance. Last evaluated: 2022-06-25. Review status: criteria provided, single submitter. Criteria: Invitae Variant Classification Sherloc (09022015). Collection method: clinical testing. Allele origin: germline.
Comment: This sequence change replaces leucine, which is neutral and non-polar, with phenylalanine, which is neutral and non-polar, at codon 601 of the DENND5A protein (p.Leu601Phe). This variant is present in population databases (no rsID available, gnomAD 0.003%). This variant has not been reported in the literature in individuals affected with DENND5A-related conditions. Algorithms developed to predict the effect of missense changes on protein structure and function are either unavailable or do not agree on the potential impact of this missense change (SIFT: "Deleterious"; PolyPhen-2: "Probably Damaging"; Align-GVGD: "Class C0"). In summary, the available evidence is currently insufficient to determine the role of this variant in disease. Therefore, it has been classified as a Variant of Uncertain Significance.